The following is an entry in ClinVar:

ClinVar aggregate classification (germline): Uncertain significance (1 of 4 stars; one submission).

Conditions:
Developmental and epileptic encephalopathy, 37 (DEE37). Also called: Epileptic encephalopathy, early infantile, 37. Identifiers: MedGen C4310770, MONDO:0014859, OMIM 616981.

Allele frequency attached by ClinVar (database versions not stated): gnomAD exomes below 0.00001; TOPMed below 0.00001.

Submission:

Labcorp Genetics (formerly Invitae), Labcorp
Classification: Uncertain significance for Developmental and epileptic encephalopathy, 37. Last evaluated: 2024-10-24. Review status: criteria provided, single submitter. Criteria: Invitae Variant Classification Sherloc (09022015). Collection method: clinical testing. Allele origin: germline.
Comment: This sequence change replaces isoleucine, which is neutral and non-polar, with serine, which is neutral and polar, at codon 290 of the FRRS1L protein (p.Ile290Ser). This variant is present in population databases (no rsID available, gnomAD 0.0009%). This variant has not been reported in the literature in individuals affected with FRRS1L-related conditions. ClinVar contains an entry for this variant (Variation ID: 951972). An algorithm developed to predict the effect of missense changes on protein structure and function (PolyPhen-2) suggests that this variant is likely to be disruptive. In summary, the available evidence is currently insufficient to determine the role of this variant in disease. Therefore, it has been classified as a Variant of Uncertain Significance.

NM_014334.4(FRRS1L):c.716T>G (p.Ile239Ser)

Gene: FRRS1L (ferric chelate reductase 1 like; minus strand). Cytogenetic location: 9q31.3.
Variant type: single nucleotide variant.
Coding change: c.716T>G on transcript NM_014334.4 (MANE Select); coding-DNA position 716, T replaced by G.
Protein change: p.Ile239Ser; replaces isoleucine 239 with serine.
Molecular consequence: missense variant.
Genome position (GRCh38, 1-based): chr9:109,137,621, A>C on the plus strand (T>G on the coding strand, the complement: FRRS1L is on the minus strand). VCF-style: chr9-109137621-A-C. GRCh37 (hg19) VCF-style: chr9-111899901-A-C.
Other names: short protein forms I239S.
Identifiers: ClinVar variation 951972 (VCV000951972.10), dbSNP rs1251840318, ClinGen allele CA374423356.
Genomic context (GRCh38, chr9:109,137,621, plus strand): 5'-TACTTGTAAATACTGACAACACGCTCTGAAGCCGGCGGTGAGTCTATATCATGTCGAGTG[A>C]TAGAGCCTTTAAGAAAAAAAGAGAAGAGCAGGGGCAATTGAAAAAAGAACAGATTTATAA-3'
Protein context (NP_055149.3, residues 229-249): FAWGPAIQGS[Ile239Ser]TRHDIDSPPA